The following is an entry in ClinVar:

ClinVar aggregate classification (germline): Uncertain significance. Review status: criteria provided, multiple submitters, no conflicts (2 of 4 stars). 2 submissions from 2 submitters: Uncertain significance (2). Last evaluated 2023-12-29.

Conditions:
Factor H deficiency (CFHD). Also called: CFH DEFICIENCY; COMPLEMENT FACTOR H DEFICIENCY. Identifiers: Orphanet 200421, MedGen C0398777, MONDO:0012350, OMIM 609814.
Age related macular degeneration 4. Identifiers: MedGen C1853147, MONDO:0012540, OMIM 610698.
Basal laminar drusen. Also called: DRUSEN OF BRUCH MEMBRANE; DRUSEN, CUTICULAR; DRUSEN, EARLY ADULT-ONSET, GROUPED. Identifiers: Orphanet 75376, MedGen C0730295, MONDO:0007472, OMIM 126700.
Hemolytic uremic syndrome, atypical, susceptibility to, 1. Also called: AHUS, SUSCEPTIBILITY TO, 1. Identifiers: Orphanet 2134, Orphanet 90038, MedGen C2749604, MONDO:0009335, OMIM 235400. Disease mechanism: Other.

Allele frequency attached by ClinVar (database versions not stated): gnomAD exomes below 0.00001; TOPMed below 0.00001.
gnomAD v4.1: 1 of 1,613,508 alleles (0.000062%); highest among the groups gnomAD compares: Admixed American, 0.0017%; no homozygotes.

Submissions (2):

Fulgent Genetics
Classification: Uncertain significance for Basal laminar drusen; Hemolytic uremic syndrome, atypical, susceptibility to, 1; Factor H deficiency; Age related macular degeneration 4. Last evaluated: 2023-12-29. Review status: criteria provided, single submitter. Criteria: ACMG Guidelines, 2015. Collection method: clinical testing. Allele origin: germline.

Labcorp Genetics (formerly Invitae), Labcorp
Classification: Uncertain significance. Last evaluated: 2022-09-02. Review status: criteria provided, single submitter. Criteria: Invitae Variant Classification Sherloc (09022015). Collection method: clinical testing. Allele origin: germline.
Comment: Algorithms developed to predict the effect of missense changes on protein structure and function are either unavailable or do not agree on the potential impact of this missense change (SIFT: "Tolerated"; PolyPhen-2: "Possibly Damaging"; Align-GVGD: "Class C0"). In summary, the available evidence is currently insufficient to determine the role of this variant in disease. Therefore, it has been classified as a Variant of Uncertain Significance. This variant has not been reported in the literature in individuals affected with CFH-related conditions. This variant is present in population databases (no rsID available, gnomAD 0.003%). This sequence change replaces alanine, which is neutral and non-polar, with valine, which is neutral and non-polar, at codon 73 of the CFH protein (p.Ala73Val).

NM_000186.4(CFH):c.218C>T (p.Ala73Val)

Gene: CFH (complement factor H; plus strand). Cytogenetic location: 1q31.3.
Variant type: single nucleotide variant.
Coding change: c.218C>T on transcript NM_000186.4 (MANE Select); coding-DNA position 218, C replaced by T.
Protein change: p.Ala73Val; replaces alanine 73 with valine.
Molecular consequence: missense variant.
Genome position (GRCh38, 1-based): chr1:196,673,137, C>T. VCF-style: chr1-196673137-C-T. GRCh37 (hg19) VCF-style: chr1-196642267-C-T.
Other names: c.218C>T, p.Ala73Val (NM_001014975.3); short protein forms A73V.
Identifiers: ClinVar variation 1977665 (VCV001977665.6), dbSNP rs1431540496, ClinGen allele CA343996367.